The following is an entry in ClinVar:

NM_001042492.3(NF1):c.4367del (p.Thr1456fs)

Gene: NF1 (neurofibromin 1; plus strand). Cytogenetic location: 17q11.2.
Variant type: Deletion.
Coding change: c.4367del on transcript NM_001042492.3 (MANE Select); coding-DNA position 4367, one base deleted (C; older notation c.4367delC).
Protein change: p.Thr1456fs; shifts the reading frame from threonine 1456.
Molecular consequence: frameshift variant.
Genome position (GRCh38, 1-based): chr17:31,259,066, C deleted. VCF-style (leftmost placement, unchanged base first): chr17-31259065-AC-A. GRCh37 (hg19) VCF-style: chr17-29586083-AC-A.
Other names: c.4304delC (NM_000267.3); c.4304delC, p.Thr1435Lysfs (NM_000267.4); short protein forms T1435fs, T1456fs.
Identifiers: ClinVar variation 996516 (VCV000996516.7), dbSNP rs2067637088, ClinGen allele CA2255574441.

ClinVar aggregate classification (germline): Pathogenic/Likely pathogenic. Review status: criteria provided, multiple submitters, no conflicts (2 of 4 stars). 2 submissions from 2 submitters: Pathogenic (1); Likely pathogenic (1). Last evaluated 2022-10-30.

Conditions:
Neurofibromatosis, type 1 (NF1). Also called: Neurofibromatosis, type I; VON RECKLINGHAUSEN DISEASE; NEUROFIBROMATOSIS, TYPE I, SOMATIC; Peripheral type neurofibromatosis. Identifiers: Orphanet 636, MedGen C0027831, MONDO:0018975, OMIM 162200. Disease mechanism: loss of function.

Submissions (2):

Labcorp Genetics (formerly Invitae), Labcorp
Classification: Pathogenic for Neurofibromatosis, type 1. Last evaluated: 2022-10-30. Review status: criteria provided, single submitter. Criteria: Invitae Variant Classification Sherloc (09022015). Collection method: clinical testing. Allele origin: germline.
Comment: This sequence change creates a premature translational stop signal (p.Thr1435Lysfs*13) in the NF1 gene. It is expected to result in an absent or disrupted protein product. Loss-of-function variants in NF1 are known to be pathogenic (PMID: 10712197, 23913538). For these reasons, this variant has been classified as Pathogenic. ClinVar contains an entry for this variant (Variation ID: 996516). This variant has not been reported in the literature in individuals affected with NF1-related conditions. This variant is not present in population databases (gnomAD no frequency).

Genome Diagnostics Laboratory, The Hospital for Sick Children
Classification: Likely pathogenic for Neurofibromatosis, type 1. Last evaluated: 2020-10-26. Review status: criteria provided, single submitter. Criteria: ACMG Guidelines, 2015. Collection method: clinical testing. Allele origin: germline. Affected: yes.

Literature cited by the submitters: PubMed 10712197 (cited by Labcorp Genetics (formerly Invitae), Labcorp); PubMed 23913538 (cited by Labcorp Genetics (formerly Invitae), Labcorp).